The following is an entry in ClinVar:

ClinVar aggregate classification (germline): Uncertain significance. Review status: criteria provided, multiple submitters, no conflicts (2 of 4 stars). 2 submissions from 2 submitters: Uncertain significance (2). Last evaluated 2022-12-29.

Conditions:
Emery-Dreifuss muscular dystrophy 4, autosomal dominant (EDMD4). Also called: EMERY-DREIFUSS MUSCULAR DYSTROPHY 4 WITH VARIABLE FEATURES. Identifiers: Orphanet 261, MedGen C2751807, MONDO:0013071, OMIM 612998.

Allele frequency attached by ClinVar (database versions not stated): gnomAD 0.00001.
gnomAD v4.1: 10 of 1,613,996 alleles (0.00062%); highest among the groups gnomAD compares: Admixed American, 0.0017%; no homozygotes.

Submissions (2):

GeneDx
Classification: Uncertain significance. Last evaluated: 2022-12-29. Review status: criteria provided, single submitter. Criteria: GeneDx Variant Classification Process June 2021. Collection method: clinical testing. Allele origin: germline. Affected: yes.
Comment: Not observed at significant frequency in large population cohorts (gnomAD); In silico analysis supports that this missense variant has a deleterious effect on protein structure/function; Has not been previously published as pathogenic or benign to our knowledge

Baylor Genetics
Classification: Uncertain significance for Emery-Dreifuss muscular dystrophy 4, autosomal dominant. Last evaluated: 2019-01-24. Review status: criteria provided, single submitter. Criteria: ACMG Guidelines, 2015. Collection method: clinical testing. Allele origin: maternal. Affected: yes.
Comment: This variant was determined to be of uncertain significance according to ACMG Guidelines, 2015 [PMID:25741868].

NM_182961.4(SYNE1):c.23936G>A (p.Arg7979Gln)

Gene: SYNE1 (spectrin repeat containing nuclear envelope protein 1; minus strand). Cytogenetic location: 6q25.2.
Variant type: single nucleotide variant.
Coding change: c.23936G>A on transcript NM_182961.4 (MANE Select); coding-DNA position 23936, G replaced by A.
Protein change: p.Arg7979Gln; replaces arginine 7979 with glutamine.
Molecular consequence: missense variant.
Genome position (GRCh38, 1-based): chr6:152,155,952, C>T on the plus strand (G>A on the coding strand, the complement: SYNE1 is on the minus strand). VCF-style: chr6-152155952-C-T. GRCh37 (hg19) VCF-style: chr6-152477087-C-T.
Other names: c.23723G>A, p.Arg7908Gln (NM_033071.5); c.542G>A, p.Arg181Gln (NM_001347701.2); c.401G>A, p.Arg134Gln (NM_001347702.2); short protein forms R181Q, R134Q, R7908Q, R7979Q.
Identifiers: ClinVar variation 1030075 (VCV001030075.2), dbSNP rs769773495, ClinGen allele CA4053314.